The following is an entry in ClinVar:

ClinVar aggregate classification (germline): Uncertain significance. Review status: criteria provided, multiple submitters, no conflicts (2 of 4 stars). 5 submissions from 5 submitters: Uncertain significance (5). Last evaluated 2025-05-11.

Conditions:
Hereditary cancer-predisposing syndrome. Also called: Hereditary Cancer Syndrome; Neoplastic Syndromes, Hereditary; Tumor predisposition; Hereditary neoplastic syndrome. Identifiers: Orphanet 140162, MedGen C0027672, MeSH D009386, MONDO:0015356.
Tuberous sclerosis syndrome (TSC). Also called: Tuberous Sclerosis Complex; Tuberous sclerosis. Identifiers: Orphanet 805, MedGen C0041341, MONDO:0001734.
Tuberous sclerosis 2 (TSC2). Identifiers: Orphanet 805, MedGen C1860707, MONDO:0013199, OMIM 613254.

Allele frequency attached by ClinVar (database versions not stated): TOPMed below 0.00001.

Submissions (5):

Ambry Genetics
Classification: Uncertain significance for Hereditary cancer-predisposing syndrome. Last evaluated: 2025-05-11. Review status: criteria provided, single submitter. Criteria: Ambry Variant Classification Scheme 2023. Collection method: clinical testing. Allele origin: germline.
Comment: The p.R899G variant (also known as c.2695A>G), located in coding exon 23 of the TSC2 gene, results from an A to G substitution at nucleotide position 2695. The arginine at codon 899 is replaced by glycine, an amino acid with dissimilar properties. This amino acid position is conserved. In addition, this alteration is predicted to be deleterious by in silico analysis. Based on the available evidence, the clinical significance of this variant remains unclear.

Labcorp Genetics (formerly Invitae), Labcorp
Classification: Uncertain significance for Tuberous sclerosis 2. Last evaluated: 2024-12-29. Review status: criteria provided, single submitter. Criteria: Invitae Variant Classification Sherloc (09022015). Collection method: clinical testing. Allele origin: germline.
Comment: This sequence change replaces arginine, which is basic and polar, with glycine, which is neutral and non-polar, at codon 899 of the TSC2 protein (p.Arg899Gly). This variant is not present in population databases (gnomAD no frequency). This variant has not been reported in the literature in individuals affected with TSC2-related conditions. ClinVar contains an entry for this variant (Variation ID: 836706). Invitae Evidence Modeling of protein sequence and biophysical properties (such as structural, functional, and spatial information, amino acid conservation, physicochemical variation, residue mobility, and thermodynamic stability) indicates that this missense variant is not expected to disrupt TSC2 protein function with a negative predictive value of 95%. In summary, the available evidence is currently insufficient to determine the role of this variant in disease. Therefore, it has been classified as a Variant of Uncertain Significance.

All of Us Research Program, National Institutes of Health
Classification: Uncertain significance for Tuberous sclerosis syndrome. Last evaluated: 2023-11-30. Review status: criteria provided, single submitter. Criteria: ACMG Guidelines, 2015. Collection method: clinical testing. Allele origin: germline. Inheritance: Autosomal dominant inheritance. Observed: 1 variant allele, 1 heterozygote.
Comment: This study involves interpretation of variants in research participants for the purpose of population health screening. Participant phenotype was not available at the time of variant classification. Additional details can be found in publication PMID: 35346344, PMCID: PMC8962531

GeneDx
Classification: Uncertain significance. Last evaluated: 2023-06-12. Review status: criteria provided, single submitter. Criteria: GeneDx Variant Classification Process June 2021. Collection method: clinical testing. Allele origin: germline. Affected: yes.
Comment: Not observed at significant frequency in large population cohorts (gnomAD); In silico analysis supports that this missense variant has a deleterious effect on protein structure/function; Has not been previously published as pathogenic or benign to our knowledge

CeGaT Center for Human Genetics Tuebingen
Classification: Uncertain significance. Last evaluated: 2023-06-01. Review status: criteria provided, single submitter. Criteria: CeGaT Center For Human Genetics Tuebingen Variant Classification Criteria Version 2. Collection method: clinical testing. Allele origin: germline. Affected: yes. Observed: 2 variant alleles.
Comment: TSC2: PM2, PP3

NM_000548.5(TSC2):c.2695A>G (p.Arg899Gly)

Gene: TSC2 (TSC complex subunit 2; plus strand). Cytogenetic location: 16p13.3.
Variant type: single nucleotide variant.
Coding change: c.2695A>G on transcript NM_000548.5 (MANE Select); coding-DNA position 2695, A replaced by G.
Protein change: p.Arg899Gly; replaces arginine 899 with glycine.
Molecular consequence: missense variant.
Genome position (GRCh38, 1-based): chr16:2,076,123, A>G. VCF-style: chr16-2076123-A-G. GRCh37 (hg19) VCF-style: chr16-2126124-A-G.
Other names: c.2695A>G, p.Arg899Gly (NM_001077183.3, NM_001114382.3, NM_001363528.2 and 3 more transcripts); c.2584A>G, p.Arg862Gly (NM_001318827.2); c.2548A>G, p.Arg850Gly (NM_001318829.2); c.2095A>G, p.Arg699Gly (NM_001318831.2); c.2728A>G, p.Arg910Gly (NM_001318832.2); short protein forms R699G, R862G, R899G, R910G, R850G.
Identifiers: ClinVar variation 836706 (VCV000836706.38), dbSNP rs2089322279, ClinGen allele CA394279410.
Genomic context (GRCh38, chr16:2,076,123, plus strand): 5'-CTCAGGTTTAATCAGTACATCGTGTGTCTGGCCCATCACGTCATAGCCATGTGGTTCATC[A>G]GGTGCCGCCTGCCCTTCCGGAAGGATTTTGTCCCTTTCATCACTAAGGTGGGCTCAGGGC-3'
Protein context (NP_000539.2, residues 889-909): AHHVIAMWFI[Arg899Gly]CRLPFRKDFV